The following is an entry in ClinVar:

NM_013275.6(ANKRD11):c.3935G>A (p.Gly1312Glu)

Gene: ANKRD11 (ankyrin repeat domain containing 11; minus strand). Cytogenetic location: 16q24.3.
Variant type: single nucleotide variant.
Coding change: c.3935G>A on transcript NM_013275.6 (MANE Select); coding-DNA position 3935, G replaced by A.
Protein change: p.Gly1312Glu; replaces glycine 1312 with glutamic acid.
Molecular consequence: missense variant.
Genome position (GRCh38, 1-based): chr16:89,282,607, C>T on the plus strand (G>A on the coding strand, the complement: ANKRD11 is on the minus strand). VCF-style: chr16-89282607-C-T. GRCh37 (hg19) VCF-style: chr16-89349015-C-T.
Other names: c.3935G>A, p.Gly1312Glu (NM_001256182.2, NM_001256183.2); short protein forms G1312E.
Identifiers: ClinVar variation 1686667 (VCV001686667.2), dbSNP rs1177362535, ClinGen allele CA397158670.

ClinVar aggregate classification (germline): Uncertain significance (1 of 4 stars; one submission).

Allele frequency attached by ClinVar (database versions not stated): gnomAD exomes below 0.00001.
gnomAD v4.1: 2 of 1,614,072 alleles (0.00012%); highest among the groups gnomAD compares: African/African-American, 0.0013%; no homozygotes.

Submission:

GeneDx
Classification: Uncertain significance. Last evaluated: 2022-05-19. Review status: criteria provided, single submitter. Criteria: GeneDx Variant Classification Process June 2021. Collection method: clinical testing. Allele origin: germline. Affected: yes.
Comment: Not observed at significant frequency in large population cohorts (gnomAD); In silico analysis supports that this missense variant does not alter protein structure/function; Has not been previously published as pathogenic or benign to our knowledge